The following is an entry in ClinVar:

ClinVar aggregate classification (germline): Likely pathogenic (1 of 4 stars; one submission).

Conditions:
RASopathy. Also called: rasopathies; Noonan spectrum disorder. Identifiers: Orphanet 536391, MedGen C5555857, MONDO:0021060.

Submission:

Labcorp Genetics (formerly Invitae), Labcorp
Classification: Likely pathogenic for RASopathy. Last evaluated: 2021-05-16. Review status: criteria provided, single submitter. Criteria: Invitae Variant Classification Sherloc (09022015). Collection method: clinical testing. Allele origin: germline.
Comment: Algorithms developed to predict the effect of sequence changes on RNA splicing suggest that this variant may disrupt the consensus splice site, but this prediction has not been confirmed by published transcriptional studies. This variant has not been reported in the literature in individuals with PTPN11-related conditions. This variant is not present in population databases (ExAC no frequency). This sequence change affects an acceptor splice site in intron 12 of the PTPN11 gene. It is expected to disrupt RNA splicing. Variants that disrupt the donor or acceptor splice site typically lead to a loss of protein function (PMID: 16199547), and loss-of-function variants in PTPN11 are known to be pathogenic (PMID: 20577567, 21533187). In summary, the currently available evidence indicates that the variant is pathogenic, but additional data are needed to prove that conclusively. Therefore, this variant has been classified as Likely Pathogenic.

Literature cited by the submitters: PubMed 16199547; PubMed 20577567; PubMed 21533187.

NM_002834.5(PTPN11):c.1448-2A>T

Gene: PTPN11 (protein tyrosine phosphatase non-receptor type 11; plus strand). Cytogenetic location: 12q24.13.
Variant type: single nucleotide variant.
Coding change: c.1448-2A>T on transcript NM_002834.5 (MANE Select); the canonical splice acceptor site of the intron before coding-DNA position 1448, A replaced by T.
Molecular consequence: splice acceptor variant.
Genome position (GRCh38, 1-based): chr12:112,489,022, A>T. VCF-style: chr12-112489022-A-T. GRCh37 (hg19) VCF-style: chr12-112926826-A-T.
Other names: c.1460-2A>T (NM_001330437.2); c.1445-2A>T (NM_001374625.1).
Identifiers: ClinVar variation 1475873 (VCV001475873.8), dbSNP rs2135916018, ClinGen allele CA386779657.